The following is an entry in ClinVar:

NM_000718.4(CACNA1B):c.351C>T (p.His117=)

Genes: CACNA1B (calcium voltage-gated channel subunit alpha1 B; plus strand), CACNA1B-AS2 (CACNA1B antisense RNA 2; minus strand). Cytogenetic location: 9q34.3.
Variant type: single nucleotide variant.
Coding change: c.351C>T on transcript NM_000718.4 (MANE Select); coding-DNA position 351, C replaced by T.
Protein change: p.His117=; no amino-acid change (histidine 117 retained).
Molecular consequence: synonymous variant.
Genome position (GRCh38, 1-based): chr9:137,879,120, C>T. VCF-style: chr9-137879120-C-T. GRCh37 (hg19) VCF-style: chr9-140773572-C-T.
Other names: c.351C>T, p.His117= (NM_001243812.2).
Identifiers: ClinVar variation 2659847 (VCV002659847.24), dbSNP rs1441554381, ClinGen allele CA467888047.

ClinVar aggregate classification (germline): Likely benign (1 of 4 stars; one submission).

Allele frequency attached by ClinVar (database versions not stated): gnomAD 0.00001; gnomAD exomes below 0.00001.

Submission:

CeGaT Center for Human Genetics Tuebingen
Classification: Likely benign. Last evaluated: 2023-01-01. Review status: criteria provided, single submitter. Criteria: CeGaT Center For Human Genetics Tuebingen Variant Classification Criteria Version 2. Collection method: clinical testing. Allele origin: germline. Affected: yes. Observed: 1 variant allele.
Comment: CACNA1B: BP4, BP7